The following is an entry in ClinVar:

ClinVar aggregate classification (germline): Uncertain significance. Review status: criteria provided, multiple submitters, no conflicts (2 of 4 stars). 3 submissions from 3 submitters: Uncertain significance (3). Last evaluated 2024-11-15.

Conditions:
Inborn genetic diseases. Identifiers: MedGen C0950123, MeSH D030342.
Short-rib thoracic dysplasia 14 with polydactyly (SRTD14). Identifiers: Orphanet 397715, MedGen C4225286, MONDO:0014688, OMIM 616546.
Joubert syndrome 23 (JBTS23). Identifiers: Orphanet 475, MedGen C4084822, MONDO:0014664, OMIM 616490.

Allele frequency attached by ClinVar (database versions not stated): gnomAD exomes below 0.00001 and 0.00002; gnomAD 0.00003; TOPMed 0.00006.
gnomAD v4.1: 10 of 1,595,202 alleles (0.00063%); highest among the groups gnomAD compares: African/African-American, 0.0094%; no homozygotes.

Submissions (3):

Ambry Genetics
Classification: Uncertain significance for Inborn genetic diseases. Last evaluated: 2024-11-15. Review status: criteria provided, single submitter. Criteria: Ambry Variant Classification Scheme 2023. Collection method: clinical testing. Allele origin: germline.

Labcorp Genetics (formerly Invitae), Labcorp
Classification: Uncertain significance for Joubert syndrome 23; Short-rib thoracic dysplasia 14 with polydactyly. Last evaluated: 2023-08-10. Review status: criteria provided, single submitter. Criteria: Invitae Variant Classification Sherloc (09022015). Collection method: clinical testing. Allele origin: germline.
Comment: In summary, the available evidence is currently insufficient to determine the role of this variant in disease. Therefore, it has been classified as a Variant of Uncertain Significance. Advanced modeling of protein sequence and biophysical properties (such as structural, functional, and spatial information, amino acid conservation, physicochemical variation, residue mobility, and thermodynamic stability) performed at Invitae indicates that this missense variant is not expected to disrupt KIAA0586 protein function. ClinVar contains an entry for this variant (Variation ID: 501274). This variant has not been reported in the literature in individuals affected with KIAA0586-related conditions. This variant is present in population databases (no rsID available, gnomAD 0.01%). This sequence change replaces threonine, which is neutral and polar, with alanine, which is neutral and non-polar, at codon 1474 of the KIAA0586 protein (p.Thr1474Ala).

Eurofins Ntd Llc (ga)
Classification: Uncertain significance. Last evaluated: 2017-04-03. Review status: criteria provided, single submitter. Criteria: EGL Classification Definitions 2015. Collection method: clinical testing. Allele origin: germline. Observed: 1 variant allele, 1 heterozygote.

NM_001329943.3(KIAA0586):c.4261A>G (p.Thr1421Ala)

Gene: KIAA0586 (KIAA0586; plus strand). Cytogenetic location: 14q23.1.
Variant type: single nucleotide variant.
Coding change: c.4261A>G on transcript NM_001329943.3 (MANE Select); coding-DNA position 4261, A replaced by G.
Protein change: p.Thr1421Ala; replaces threonine 1421 with alanine.
Molecular consequence: missense variant.
Genome position (GRCh38, 1-based): chr14:58,508,647, A>G. VCF-style: chr14-58508647-A-G. GRCh37 (hg19) VCF-style: chr14-58975365-A-G.
Other names: c.4033A>G (NM_014749.3); c.4420A>G, p.Thr1474Ala (NM_001244189.2); c.4216A>G, p.Thr1406Ala (NM_001244190.2); c.4006A>G, p.Thr1336Ala (NM_001244191.2, NM_001329945.2, NM_001364700.1 and 1 more transcripts); c.4129A>G, p.Thr1377Ala (NM_001244192.2, NM_001329947.2); c.3841A>G, p.Thr1281Ala (NM_001244193.2); c.4261A>G, p.Thr1421Ala (NM_001329944.2, NM_001329946.2); c.4033A>G, p.Thr1345Ala (NM_014749.5); short protein forms T1345A, T1474A, T1281A, T1421A, T1336A, T1377A, T1406A.
Identifiers: ClinVar variation 501274 (VCV000501274.10), dbSNP rs962979142, ClinGen allele CA262033847.